The following is an entry in ClinVar:

ClinVar aggregate classification (germline): Likely benign (1 of 4 stars; one submission).

Submission:

CeGaT Center for Human Genetics Tuebingen
Classification: Likely benign. Last evaluated: 2026-09-01. Review status: criteria provided, single submitter. Criteria: CeGaT Center For Human Genetics Tuebingen Variant Classification Criteria Version 2. Collection method: clinical testing. Allele origin: germline. Affected: yes. Observed: 13 variant alleles.
Comment: FXN: BS1; ENSG00000285130: BS1

NM_000144.5(FXN):c.165+1339_165+1340insAGAAGAA

Genes: FXN (frataxin; plus strand), LOC108510657 (Friedreich ataxia repeat instability region; plus strand). Cytogenetic location: 9q21.11.
Variant type: Insertion.
Coding change: c.165+1339_165+1340insAGAAGAA on transcript NM_000144.5 (MANE Select); bases 1339 to 1340 of the intron after coding-DNA position 165, AGAAGAA inserted.
Molecular consequence: intron variant.
Genome position: GRCh38 VCF-style: chr9-69037284-A-AAAAGAAG. GRCh37 (hg19) VCF-style: chr9-71652200-A-AAAAGAAG.
Other names: c.165+1339_165+1340insAGAAGAA (NM_181425.3).
Identifiers: ClinVar variation 4083520 (VCV004083520.8).